The following is an entry in ClinVar:

ClinVar aggregate classification (germline): Uncertain significance (1 of 4 stars; one submission).

Conditions:
Inborn genetic diseases. Identifiers: MedGen C0950123, MeSH D030342.

Submission:

Ambry Genetics
Classification: Uncertain significance for Inborn genetic diseases. Last evaluated: 2025-08-20. Review status: criteria provided, single submitter. Criteria: Ambry Variant Classification Scheme 2023. Collection method: clinical testing. Allele origin: germline.
Comment: The p.Q990E variant (also known as c.2968C>G), located in coding exon 13 of the MECOM gene, results from a C to G substitution at nucleotide position 2968. The glutamine at codon 990 is replaced by glutamic acid, an amino acid with highly similar properties. This amino acid position is conserved. In addition, this alteration is predicted to be tolerated by in silico analysis. Based on the available evidence, the clinical significance of this variant remains unclear.

NM_004991.4(MECOM):c.2968C>G (p.Gln990Glu)

Gene: MECOM (MDS1 and EVI1 complex locus; minus strand). Cytogenetic location: 3q26.2.
Variant type: single nucleotide variant.
Coding change: c.2968C>G on transcript NM_004991.4 (MANE Select); coding-DNA position 2968, C replaced by G.
Protein change: p.Gln990Glu; replaces glutamine 990 with glutamic acid.
Molecular consequence: missense variant.
Genome position (GRCh38, 1-based): chr3:169,095,127, G>C on the plus strand (C>G on the coding strand, the complement: MECOM is on the minus strand). VCF-style: chr3-169095127-G-C. GRCh37 (hg19) VCF-style: chr3-168812915-G-C.
Other names: c.2599C>G, p.Gln867Glu (NM_001105077.4); c.2404C>G, p.Gln802Glu (NM_001105078.4, NM_001205194.2, NM_001366469.2 and 1 more transcripts); c.2380C>G, p.Gln794Glu (NM_001163999.2, NM_001366470.2); c.2377C>G, p.Gln793Glu (NM_001164000.2, NM_001366471.2, NM_001366472.2); c.2941C>G, p.Gln981Glu (NM_001366466.2); c.2407C>G, p.Gln803Glu (NM_001366467.2, NM_001366468.2); c.1969C>G, p.Gln657Glu (NM_001366473.2); c.1405C>G, p.Gln469Glu (NM_001366474.2); short protein forms Q469E, Q990E, Q794E, Q867E, Q657E, Q793E, Q802E, Q803E.
Identifiers: ClinVar variation 4105856 (VCV004105856.1).